The following is an entry in ClinVar:

ClinVar aggregate classification (germline): Uncertain significance (1 of 4 stars; one submission).

Conditions:
Familial cancer of breast. Also called: hereditary breast carcinoma; BREAST CANCER, FAMILIAL; Hereditary breast cancer. Identifiers: Orphanet 227535, MedGen C0346153, MONDO:0016419, OMIM 114480. Disease mechanism: loss of function.
Fanconi anemia complementation group J. Also called: BRIP1-Related Fanconi Anemia. Identifiers: Orphanet 84, MedGen C1836860, MONDO:0012187, OMIM 609054.

Submission:

Labcorp Genetics (formerly Invitae), Labcorp
Classification: Uncertain significance for Familial cancer of breast; Fanconi anemia complementation group J. Last evaluated: 2019-05-23. Review status: criteria provided, single submitter. Criteria: Invitae Variant Classification Sherloc (09022015). Collection method: clinical testing. Allele origin: germline.
Comment: In summary, the available evidence is currently insufficient to determine the role of this variant in disease. Therefore, it has been classified as a Variant of Uncertain Significance. Algorithms developed to predict the effect of missense changes on protein structure and function are either unavailable or do not agree on the potential impact of this missense change (SIFT: "Deleterious"; PolyPhen-2: "Benign"; Align-GVGD: "Class C0"). This variant has not been reported in the literature in individuals with BRIP1-related conditions. This variant is not present in population databases (ExAC no frequency). This sequence change replaces aspartic acid with glutamic acid at codon 736 of the BRIP1 protein (p.Asp736Glu). The aspartic acid residue is highly conserved and there is a small physicochemical difference between aspartic acid and glutamic acid.

NM_032043.3(BRIP1):c.2208T>G (p.Asp736Glu)

Gene: BRIP1 (BRCA1 interacting DNA helicase 1; minus strand). Cytogenetic location: 17q23.2.
Variant type: single nucleotide variant.
Coding change: c.2208T>G on transcript NM_032043.3 (MANE Select); coding-DNA position 2208, T replaced by G.
Protein change: p.Asp736Glu; replaces aspartic acid 736 with glutamic acid.
Molecular consequence: missense variant.
Genome position (GRCh38, 1-based): chr17:61,744,481, A>C on the plus strand (T>G on the coding strand, the complement: BRIP1 is on the minus strand). VCF-style: chr17-61744481-A-C. GRCh37 (hg19) VCF-style: chr17-59821842-A-C.
Other names: short protein forms D736E.
Identifiers: ClinVar variation 850557 (VCV000850557.10), dbSNP rs2077031257, ClinGen allele CA400482977.
Genomic context (GRCh38, chr17:61,744,481, plus strand): 5'-TTTCCAGTTACCTTTCTCTCCTTTGTATTTGATTGCGTCATAGTACACCTGCAGTAATTC[A>C]TCAAAATTTGTTTTTTCTCCTCCCTGTGGTTCTACAATGACTGTCTTCACCAACTCCAGA-3'
Protein context (NP_114432.2, residues 726-746): EPQGGEKTNF[Asp736Glu]ELLQVYYDAI